The following is an entry in ClinVar:

NM_002577.4(PAK2):c.414A>G (p.Lys138=)

Gene: PAK2 (p21 (RAC1) activated kinase 2; plus strand). Cytogenetic location: 3q29.
Variant type: single nucleotide variant.
Coding change: c.414A>G on transcript NM_002577.4 (MANE Select); coding-DNA position 414, A replaced by G.
Protein change: p.Lys138=; no amino-acid change (lysine 138 retained).
Molecular consequence: synonymous variant.
Genome position (GRCh38, 1-based): chr3:196,803,142, A>G. VCF-style: chr3-196803142-A-G. GRCh37 (hg19) VCF-style: chr3-196530013-A-G.
Identifiers: ClinVar variation 3042971 (VCV003042971.2), dbSNP rs73205842, ClinGen allele CA2782539.

ClinVar aggregate classification (germline): Likely benign (0 of 4 stars; one submission).

Conditions:
PAK2-related disorder. Also called: PAK2-related condition.

Allele frequency attached by ClinVar (database versions not stated): gnomAD exomes 0.01117; ExAC 0.03946.

Submission:

PreventionGenetics, part of Exact Sciences
Classification: Likely benign for PAK2-related condition. Last evaluated: 2022-07-08. Review status: no assertion criteria provided. Collection method: clinical testing. Allele origin: germline.
Comment: This variant is classified as likely benign based on ACMG/AMP sequence variant interpretation guidelines (Richards et al. 2015 PMID: 25741868, with internal and published modifications).